The following is an entry in ClinVar:

ClinVar aggregate classification (germline): Pathogenic. Review status: criteria provided, single submitter (1 of 4 stars). 2 submissions from 2 submitters: Pathogenic (1). 1 of the submissions does not count toward it. Last evaluated 2018-08-03.

Conditions:
Deficiency of iodide peroxidase (TDH2A). Also called: HYPOTHYROIDISM, CONGENITAL, DUE TO DYSHORMONOGENESIS, 2A; IODIDE PEROXIDASE DEFICIENCY; Thyroid dyshormonogenesis 2A; THYROID HORMONOGENESIS, GENETIC DEFECT IN, 2A; THYROID PEROXIDASE DEFICIENCY. Identifiers: Orphanet 95716, MedGen C1291299, MONDO:0010133, OMIM 274500.

Allele frequency attached by ClinVar (database versions not stated): TOPMed below 0.00001; gnomAD 0.00001; gnomAD exomes 0.00001.

Submissions (2):

GeneDx
Classification: Pathogenic. Last evaluated: 2018-08-03. Review status: criteria provided, single submitter. Criteria: GeneDx Variant Classification (06012015). Collection method: clinical testing. Allele origin: germline. Affected: yes.
Comment: The c.1955dupT pathogenic variant in the TPO gene has been observed in multiple affected individuals in a family with congenital thyroid dyshormonogenesis who had a second TPO variant identified (Deladoey et al., 2008). The c.1955dupT variant is not observed in large population cohorts (Lek et al., 2016). The c.1955dupT causes a frameshift starting with codon Phenylalanine 653, changes this amino acid to a Valine residue and creates a premature Stop codon at position 16 of the new reading frame, denoted p.Phe653ValfsX16. This pathogenic variant is predicted to cause loss of normal protein function either through protein truncation or nonsense-mediated mRNA decay.

OMIM
Classification: Pathogenic for THYROID DYSHORMONOGENESIS 2A. Last evaluated: 2008-02-01. Review status: no assertion criteria provided. Collection method: literature only. Allele origin: germline. Not counted in ClinVar's aggregate classification.

Literature cited by the submitters: PubMed 18029453 (cited by OMIM).

NM_001206744.2(TPO):c.1955dup (p.Phe653fs)

Genes: TPO (thyroid peroxidase; plus strand), LALTOP (lung cancer associated lncRNA targeting TOP2A; minus strand). Cytogenetic location: 2p25.3.
Variant type: Duplication.
Coding change: c.1955dup on transcript NM_001206744.2 (MANE Select); coding-DNA position 1955, one base duplicated (T; older notation c.1955dupT).
Protein change: p.Phe653fs; shifts the reading frame from phenylalanine 653.
Molecular consequence: frameshift variant.
Genome position (GRCh38, 1-based): chr2:1,493,988, T duplicated. VCF-style (leftmost placement, unchanged base first): chr2-1493987-C-CT. GRCh37 (hg19) VCF-style: chr2-1497759-C-CT.
Other names: c.1955dup, p.Phe653fs (NM_000547.6, NM_175721.3); c.1784dup, p.Phe596fs (NM_001206745.2, NM_175719.4); c.1436dup, p.Phe480fs (NM_175722.3); c.1955dupT (NM_000547.5); short protein forms F596fs, F653fs, F480fs.
Identifiers: ClinVar variation 4054 (VCV000004054.2), dbSNP rs1491142370, ClinGen allele CA424505507.